The following is an entry in ClinVar:

NM_000104.4(CYP1B1):c.1600C>A (p.Gln534Lys)

Gene: CYP1B1 (cytochrome P450 family 1 subfamily B member 1; minus strand). Cytogenetic location: 2p22.2.
Variant type: single nucleotide variant.
Coding change: c.1600C>A on transcript NM_000104.4 (MANE Select); coding-DNA position 1600, C replaced by A.
Protein change: p.Gln534Lys; replaces glutamine 534 with lysine.
Molecular consequence: missense variant.
Genome position (GRCh38, 1-based): chr2:38,070,754, G>T on the plus strand (C>A on the coding strand, the complement: CYP1B1 is on the minus strand). VCF-style: chr2-38070754-G-T. GRCh37 (hg19) VCF-style: chr2-38297897-G-T.
Other names: short protein forms Q534K.
Identifiers: ClinVar variation 965575 (VCV000965575.10), dbSNP rs1216032234, ClinGen allele CA346326807.
Genomic context (GRCh38, chr2:38,070,754, plus strand): 5'-TCTAAAATTTCAGCTTGCCTCTTGCTTCTTATTGGCAAGTTTCCTTGGCTTGTAAATTTT[G>T]GACAGCACTATCAAGGAGCTCCATGGACTCTCTGAGAGTGACATTGACTTTAAATGACTT-3'
Protein context (NP_000095.2, residues 524-543): ESMELLDSAV[Gln534Lys]NLQAKETCQ

ClinVar aggregate classification (germline): Uncertain significance (1 of 4 stars; one submission).

Conditions:
Congenital glaucoma. Identifiers: MedGen C0020302, MONDO:0020366.

Allele frequency attached by ClinVar (database versions not stated): gnomAD exomes below 0.00001.
gnomAD v4.1: 1 of 1,614,128 alleles (0.000062%); highest among the groups gnomAD compares: Admixed American, 0.0017%; no homozygotes.

Submission:

Labcorp Genetics (formerly Invitae), Labcorp
Classification: Uncertain significance for Congenital glaucoma. Last evaluated: 2023-10-13. Review status: criteria provided, single submitter. Criteria: Invitae Variant Classification Sherloc (09022015). Collection method: clinical testing. Allele origin: germline.
Comment: This sequence change replaces glutamine, which is neutral and polar, with lysine, which is basic and polar, at codon 534 of the CYP1B1 protein (p.Gln534Lys). The frequency data for this variant in the population databases is considered unreliable, as metrics indicate poor data quality at this position in the gnomAD database. This variant has not been reported in the literature in individuals affected with CYP1B1-related conditions. ClinVar contains an entry for this variant (Variation ID: 965575). Algorithms developed to predict the effect of missense changes on protein structure and function output the following: SIFT: "Not Available"; PolyPhen-2: "Benign"; Align-GVGD: "Not Available". The lysine amino acid residue is found in multiple mammalian species, which suggests that this missense change does not adversely affect protein function. In summary, the available evidence is currently insufficient to determine the role of this variant in disease. Therefore, it has been classified as a Variant of Uncertain Significance.